The following is an entry in ClinVar:

ClinVar aggregate classification (germline): Uncertain significance (1 of 4 stars; one submission).

gnomAD v4.1: 2 of 1,583,518 alleles (0.00013%); highest among the groups gnomAD compares: Admixed American, 0.0018%; no homozygotes.

Submission:

Labcorp Genetics (formerly Invitae), Labcorp
Classification: Uncertain significance. Last evaluated: 2026-01-12. Review status: criteria provided, single submitter. Criteria: Invitae Variant Classification Sherloc (09022015). Collection method: clinical testing. Allele origin: germline.
Comment: This sequence change replaces alanine, which is neutral and non-polar, with serine, which is neutral and polar, at codon 238 of the LEMD2 protein (p.Ala238Ser). This variant is present in population databases (no rsID available, gnomAD 0.003%). This variant has not been reported in the literature in individuals affected with LEMD2-related conditions. An algorithm developed to predict the effect of missense changes on protein structure and function (PolyPhen-2) suggests that this variant is likely to be tolerated. In summary, the available evidence is currently insufficient to determine the role of this variant in disease. Therefore, it has been classified as a Variant of Uncertain Significance.

NM_181336.4(LEMD2):c.712G>T (p.Ala238Ser)

Gene: LEMD2 (LEM domain nuclear envelope protein 2; minus strand). Cytogenetic location: 6p21.31.
Variant type: single nucleotide variant.
Coding change: c.712G>T on transcript NM_181336.4 (MANE Select); coding-DNA position 712, G replaced by T.
Protein change: p.Ala238Ser; replaces alanine 238 with serine.
Molecular consequence: missense variant. On other transcripts: intron variant (2).
Genome position (GRCh38, 1-based): chr6:33,788,405, C>A on the plus strand (G>T on the coding strand, the complement: LEMD2 is on the minus strand). VCF-style: chr6-33788405-C-A. GRCh37 (hg19) VCF-style: chr6-33756182-C-A.
Other names: c.342+370G>T (NM_001348710.2); c.-171+370G>T (NM_001348709.2); short protein forms A238S.
Identifiers: ClinVar variation 4768643 (VCV004768643.1).